The following is an entry in ClinVar:

NM_006208.3(ENPP1):c.92G>T (p.Arg31Leu)

Gene: ENPP1 (ectonucleotide pyrophosphatase/phosphodiesterase 1; plus strand). Cytogenetic location: 6q23.2.
Variant type: single nucleotide variant.
Coding change: c.92G>T on transcript NM_006208.3 (MANE Select); coding-DNA position 92, G replaced by T.
Protein change: p.Arg31Leu; replaces arginine 31 with leucine.
Molecular consequence: missense variant.
Genome position (GRCh38, 1-based): chr6:131,808,127, G>T. VCF-style: chr6-131808127-G-T. GRCh37 (hg19) VCF-style: chr6-132129267-G-T.
Other names: short protein forms R31L.
Identifiers: ClinVar variation 4765423 (VCV004765423.1).

ClinVar aggregate classification (germline): Uncertain significance (1 of 4 stars; one submission).

Submission:

Labcorp Genetics (formerly Invitae), Labcorp
Classification: Uncertain significance. Last evaluated: 2025-03-12. Review status: criteria provided, single submitter. Criteria: Invitae Variant Classification Sherloc (09022015). Collection method: clinical testing. Allele origin: germline.
Comment: This sequence change replaces arginine, which is basic and polar, with leucine, which is neutral and non-polar, at codon 31 of the ENPP1 protein (p.Arg31Leu). This variant is not present in population databases (gnomAD no frequency). This variant has not been reported in the literature in individuals affected with ENPP1-related conditions. An algorithm developed to predict the effect of missense changes on protein structure and function outputs the following: PolyPhen-2: "Benign". The leucine amino acid residue is found in multiple mammalian species, which suggests that this missense change does not adversely affect protein function. In summary, the available evidence is currently insufficient to determine the role of this variant in disease. Therefore, it has been classified as a Variant of Uncertain Significance.